The following is an entry in ClinVar:

NM_001376.5(DYNC1H1):c.4603G>A (p.Asp1535Asn)

Gene: DYNC1H1 (dynein cytoplasmic 1 heavy chain 1; plus strand). Cytogenetic location: 14q32.31.
Variant type: single nucleotide variant.
Coding change: c.4603G>A on transcript NM_001376.5 (MANE Select); coding-DNA position 4603, G replaced by A.
Protein change: p.Asp1535Asn; replaces aspartic acid 1535 with asparagine.
Molecular consequence: missense variant.
Genome position (GRCh38, 1-based): chr14:102,002,597, G>A. VCF-style: chr14-102002597-G-A. GRCh37 (hg19) VCF-style: chr14-102468934-G-A.
Other names: short protein forms D1535N.
Identifiers: ClinVar variation 3235895 (VCV003235895.1), dbSNP rs2503733689, ClinGen allele CA391043092.
Genomic context (GRCh38, chr14:102,002,597, plus strand): 5'-GTTTTTGAAGAGGATGCTCTCAGCTGGGAAGATAAGCTGAACAGGATCATGGCTCTCTTT[G>A]ATGTGTGGATTGATGTGCAGAGGCGGTGGGTCTACCTGGAAGGTATCTTCACAGGCAGTG-3'
Protein context (NP_001367.2, residues 1525-1545): DKLNRIMALF[Asp1535Asn]VWIDVQRRWV

ClinVar aggregate classification (germline): Uncertain significance (1 of 4 stars; one submission).

Conditions:
Cortical dysplasia, complex, with other brain malformations 13. Also called: Intellectual disability, autosomal dominant 13. Identifiers: MedGen C3281202, MONDO:0013805, OMIM 614563.
Autosomal dominant childhood-onset proximal spinal muscular atrophy without contractures. Also called: KUGELBERG-WELANDER SYNDROME, AUTOSOMAL DOMINANT; SPINAL MUSCULAR ATROPHY, JUVENILE, PROXIMAL, AUTOSOMAL DOMINANT; Spinal muscular atrophy, lower extremity-predominant 1, AD; SPINAL MUSCULAR ATROPHY, CHILDHOOD, PROXIMAL, AUTOSOMAL DOMINANT. Identifiers: Orphanet 209341, Orphanet 363447, MedGen C5780022, MONDO:0008026, OMIM 158600.
Charcot-Marie-Tooth disease axonal type 2O. Also called: Charcot-Marie-Tooth disease, axonal, type 20; CHARCOT-MARIE-TOOTH NEUROPATHY, AXONAL, TYPE 2O; CHARCOT-MARIE-TOOTH DISEASE, AXONAL, AUTOSOMAL DOMINANT, TYPE 2O; Charcot-Marie-Tooth Neuropathy Type 2O. Identifiers: Orphanet 284232, MedGen C3280220, MONDO:0013644, OMIM 614228.

Submission:

New York Genome Center
Classification: Uncertain significance for Charcot-Marie-Tooth disease axonal type 2O; Cortical dysplasia, complex, with other brain malformations 13; Autosomal dominant childhood-onset proximal spinal muscular atrophy without contractures. Last evaluated: 2023-02-27. Review status: criteria provided, single submitter. Criteria: NYGC Assertion Criteria 2020. Collection method: clinical testing. Allele origin: de novo. Observed: 1 heterozygote. Study: PrenatalSEQ.
Comment: The de novo heterozygous c.4603G>A p.(Asp1535Asn) missense variant identified in the DYNC1H1 gene has not been reported in affected individuals in the literature or in the ClinVar database. The variant is absent from population databases (gnomAD v2.1.1 and v3.1.2, TOPMed Freeze 8), suggesting it is not a common benign variant in the populations represented in those databases. The c.4603G>A variant is located in exon 22 of this 78-exon gene and is predicted to replace a highly conserved aspartic acid residue with asparagine at position 1535 within the NECK domain [also known as “linker region”] of the encoded protein [PMID: 32656949]. In silico predictions are neutral for the variant’s damaging effect [REVEL = 0.465]; however, functional studies to support or refute these predictions have not been reported. Based on the available evidence, the de novo heterozygous c.4603G>A p.(Asp1535Asn) missense variant identified in the DYNC1H1 gene is reported as a Variant of Uncertain Significance.